The following is an entry in ClinVar:

NM_004700.4(KCNQ4):c.809A>C (p.Tyr270Ser)

Gene: KCNQ4 (potassium voltage-gated channel subfamily Q member 4; plus strand). Cytogenetic location: 1p34.2.
Variant type: single nucleotide variant.
Coding change: c.809A>C on transcript NM_004700.4 (MANE Select); coding-DNA position 809, A replaced by C.
Protein change: p.Tyr270Ser; replaces tyrosine 270 with serine.
Molecular consequence: missense variant.
Genome position (GRCh38, 1-based): chr1:40,819,447, A>C. VCF-style: chr1-40819447-A-C. GRCh37 (hg19) VCF-style: chr1-41285119-A-C.
Other names: c.809A>C, p.Tyr270Ser (NM_172163.3); short protein forms Y270S.
Identifiers: ClinVar variation 4746693 (VCV004746693.1).

ClinVar aggregate classification (germline): Likely pathogenic (1 of 4 stars; one submission).

Submission:

Labcorp Genetics (formerly Invitae), Labcorp
Classification: Likely pathogenic. Last evaluated: 2025-06-26. Review status: criteria provided, single submitter. Criteria: Invitae Variant Classification Sherloc (09022015). Collection method: clinical testing. Allele origin: germline.
Comment: This sequence change replaces tyrosine, which is neutral and polar, with serine, which is neutral and polar, at codon 270 of the KCNQ4 protein (p.Tyr270Ser). This variant is not present in population databases (gnomAD no frequency). This variant has not been reported in the literature in individuals affected with KCNQ4-related conditions. Invitae Evidence Modeling of protein sequence and biophysical properties (such as structural, functional, and spatial information, amino acid conservation, physicochemical variation, residue mobility, and thermodynamic stability) indicates that this missense variant is expected to disrupt KCNQ4 protein function with a positive predictive value of 95%. This variant disrupts the p.Tyr270 amino acid residue in KCNQ4. Other variant(s) that disrupt this residue have been determined to be pathogenic (PMID: 31995783, 36597364). This suggests that this residue is clinically significant, and that variants that disrupt this residue are likely to be disease-causing. In summary, the currently available evidence indicates that the variant is pathogenic, but additional data are needed to prove that conclusively. Therefore, this variant has been classified as Likely Pathogenic.

Literature cited by the submitters: PubMed 31995783; PubMed 36597364.